The following is an entry in ClinVar:

NM_004655.4(AXIN2):c.1596G>C (p.Glu532Asp)

Gene: AXIN2 (axin 2; minus strand). Cytogenetic location: 17q24.1.
Variant type: single nucleotide variant.
Coding change: c.1596G>C on transcript NM_004655.4 (MANE Select); coding-DNA position 1596, G replaced by C.
Protein change: p.Glu532Asp; replaces glutamic acid 532 with aspartic acid.
Molecular consequence: missense variant.
Genome position (GRCh38, 1-based): chr17:65,537,440, C>G on the plus strand (G>C on the coding strand, the complement: AXIN2 is on the minus strand). VCF-style: chr17-65537440-C-G. GRCh37 (hg19) VCF-style: chr17-63533558-C-G.
Other names: c.1596G>C, p.Glu532Asp (NM_001363813.1); short protein forms E532D.
Identifiers: ClinVar variation 5032665 (VCV005032665.1).

ClinVar aggregate classification (germline): Uncertain significance (1 of 4 stars; one submission).

Conditions:
Hereditary cancer-predisposing syndrome. Also called: Neoplastic Syndromes, Hereditary; Tumor predisposition; Hereditary neoplastic syndrome; Hereditary Cancer Syndrome. Identifiers: Orphanet 140162, MedGen C0027672, MeSH D009386, MONDO:0015356.

Submission:

Ambry Genetics
Classification: Uncertain significance for Hereditary cancer-predisposing syndrome. Last evaluated: 2026-07-26. Review status: criteria provided, single submitter. Criteria: Ambry Variant Classification Scheme 2023. Collection method: clinical testing. Allele origin: germline.
Comment: The p.E532D variant (also known as c.1596G>C), located in coding exon 5 of the AXIN2 gene, results from a G to C substitution at nucleotide position 1596. The glutamic acid at codon 532 is replaced by aspartic acid, an amino acid with highly similar properties. This amino acid position is conserved. In addition, this alteration is predicted to be tolerated by in silico analysis. Based on the available evidence, the clinical significance of this variant remains unclear.